The following is an entry in ClinVar:

ClinVar aggregate classification (germline): Uncertain significance (1 of 4 stars; one submission).

Conditions:
Dilated cardiomyopathy 1S (CMD1S). Identifiers: Orphanet 154, Orphanet 54260, MedGen C1834481, MONDO:0013262, OMIM 613426.

Submission:

Neuberg Centre For Genomic Medicine, NCGM
Classification: Uncertain significance for Dilated cardiomyopathy 1S. Review status: criteria provided, single submitter. Criteria: ACMG Guidelines, 2015. Collection method: clinical testing. Allele origin: germline. Inheritance: Autosomal dominant inheritance. Affected: yes.
Comment: The missense variant c.991G>Ap.Ala331Thr in MYH7 gene has not been reported previously as a pathogenic variant nor as a benign variant, to our knowledge. The variant is novel not in any individuals in gnomAD Exomes and 1000 Genomes. The amino acid Alanine at position 331 is changed to a Threonine changing protein sequence and it might alter its composition and physico-chemical properties. The variant is predicted to be damaging by SIFT. The amino acid change p.Ala331Thr in MYH7 is predicted as conserved by GERP++ and PhyloP across 100 vertebrates. For these reasons, this variant has been classified as Uncertain Significance.

NM_000257.4(MYH7):c.991G>A (p.Ala331Thr)

Gene: MYH7 (myosin heavy chain 7; minus strand). Cytogenetic location: 14q11.2.
Variant type: single nucleotide variant.
Coding change: c.991G>A on transcript NM_000257.4 (MANE Select); coding-DNA position 991, G replaced by A.
Protein change: p.Ala331Thr; replaces alanine 331 with threonine.
Molecular consequence: missense variant.
Genome position (GRCh38, 1-based): chr14:23,430,568, C>T on the plus strand (G>A on the coding strand, the complement: MYH7 is on the minus strand). VCF-style: chr14-23430568-C-T. GRCh37 (hg19) VCF-style: chr14-23899777-C-T.
Other names: c.991G>A, p.Ala331Thr (NM_001407004.1); short protein forms A331T.
Identifiers: ClinVar variation 3234931 (VCV003234931.1), dbSNP rs397516276, ClinGen allele CA389051602.